The following is an entry in ClinVar:

NM_002334.4(LRP4):c.1540+3A>G

Gene: LRP4 (LDL receptor related protein 4; minus strand). Cytogenetic location: 11p11.2.
Variant type: single nucleotide variant.
Coding change: c.1540+3A>G on transcript NM_002334.4 (MANE Select); 3 bases into the intron after coding-DNA position 1540, A replaced by G.
Molecular consequence: intron variant.
Genome position (GRCh38, 1-based): chr11:46,894,586, T>C on the plus strand (A>G on the coding strand, the complement: LRP4 is on the minus strand). VCF-style: chr11-46894586-T-C. GRCh37 (hg19) VCF-style: chr11-46916137-T-C.
Identifiers: ClinVar variation 1489771 (VCV001489771.6), dbSNP rs2134849214, ClinGen allele CA2573146350.

ClinVar aggregate classification (germline): Uncertain significance (1 of 4 stars; one submission).

Conditions:
Cenani-Lenz syndactyly syndrome. Also called: SYNDACTYLY, TYPE VII; CENANI SYNDACTYLISM. Identifiers: Orphanet 3258, MedGen C1859309, MONDO:0008931, OMIM 212780.
Congenital myasthenic syndrome 17. Identifiers: Orphanet 590, MedGen C4225377, MONDO:0014578, OMIM 616304.
Sclerosteosis 2 (SOST2). Identifiers: Orphanet 3152, MedGen C3280402, MONDO:0013679, OMIM 614305.

Submission:

Labcorp Genetics (formerly Invitae), Labcorp
Classification: Uncertain significance for Cenani-Lenz syndactyly syndrome; Sclerosteosis 2; Congenital myasthenic syndrome 17. Last evaluated: 2022-02-05. Review status: criteria provided, single submitter. Criteria: Invitae Variant Classification Sherloc (09022015). Collection method: clinical testing. Allele origin: germline.
Comment: This sequence change falls in intron 12 of the LRP4 gene. It does not directly change the encoded amino acid sequence of the LRP4 protein. It affects a nucleotide within the consensus splice site. This variant is not present in population databases (gnomAD no frequency). In summary, the available evidence is currently insufficient to determine the role of this variant in disease. Therefore, it has been classified as a Variant of Uncertain Significance. Variants that disrupt the consensus splice site are a relatively common cause of aberrant splicing (PMID: 17576681, 9536098). Algorithms developed to predict the effect of sequence changes on RNA splicing suggest that this variant may disrupt the consensus splice site. This variant has not been reported in the literature in individuals affected with LRP4-related conditions.

Literature cited by the submitters: PubMed 17576681; PubMed 9536098.